The following is an entry in ClinVar:

ClinVar aggregate classification (germline): Uncertain significance (1 of 4 stars; one submission).

Submission:

CeGaT Center for Human Genetics Tuebingen
Classification: Uncertain significance. Last evaluated: 2026-06-01. Review status: criteria provided, single submitter. Criteria: CeGaT Center For Human Genetics Tuebingen Variant Classification Criteria Version 2. Collection method: clinical testing. Allele origin: germline. Affected: yes. Observed: 1 variant allele.
Comment: BRWD3: PM2

NM_153252.5(BRWD3):c.2543G>C (p.Ser848Thr)

Gene: BRWD3 (bromodomain and WD repeat domain containing 3; minus strand). Cytogenetic location: Xq21.1.
Variant type: single nucleotide variant.
Coding change: c.2543G>C on transcript NM_153252.5 (MANE Select); coding-DNA position 2543, G replaced by C.
Protein change: p.Ser848Thr; replaces serine 848 with threonine.
Molecular consequence: missense variant.
Genome position (GRCh38, 1-based): chrX:80,707,436, C>G on the plus strand (G>C on the coding strand, the complement: BRWD3 is on the minus strand). VCF-style: chrX-80707436-C-G. GRCh37 (hg19) VCF-style: chrX-79962935-C-G.
Other names: c.2393G>C, p.Ser798Thr (NM_001441339.1); short protein forms S798T, S848T.
Identifiers: ClinVar variation 4874152 (VCV004874152.2).